The following is an entry in ClinVar:

NM_001005242.3(PKP2):c.1612C>T (p.Leu538Phe)

Gene: PKP2 (plakophilin 2; minus strand). Cytogenetic location: 12p11.21.
Variant type: single nucleotide variant.
Coding change: c.1612C>T on transcript NM_001005242.3 (MANE Select); coding-DNA position 1612, C replaced by T.
Protein change: p.Leu538Phe; replaces leucine 538 with phenylalanine.
Molecular consequence: missense variant.
Genome position (GRCh38, 1-based): chr12:32,824,107, G>A on the plus strand (C>T on the coding strand, the complement: PKP2 is on the minus strand). VCF-style: chr12-32824107-G-A. GRCh37 (hg19) VCF-style: chr12-32977041-G-A.
Other names: p.L582F:CTC>TTC; c.1744C>T, p.Leu582Phe (NM_004572.4); short protein forms L582F, L538F.
Identifiers: ClinVar variation 202031 (VCV000202031.11), dbSNP rs794729134, ClinGen allele CA011357.

ClinVar aggregate classification (germline): Uncertain significance. Review status: criteria provided, multiple submitters, no conflicts (2 of 4 stars). 5 submissions from 5 submitters: Uncertain significance (5). Last evaluated 2025-04-14.

Conditions:
Cardiovascular phenotype. Identifiers: MedGen CN230736.
Cardiomyopathy (CMYO). Also called: Cardiomyopathies. Identifiers: Orphanet 167848, MedGen C0878544, MONDO:0004994, HP:0001638. Inheritance: Various modes of inheritance.
Arrhythmogenic right ventricular cardiomyopathy (ARVD). Also called: Arrhythmogenic cardiomyopathy; Arrhythmogenic Right Ventricular Cardiomyopathy (ARVC); Cardiomyopathy, ARVC; Arrhythmogenic right ventricular dysplasia. Identifiers: Orphanet 247, MedGen C0349788, MeSH D019571, MONDO:0016587. Disease mechanism: loss of function. Inheritance: Various modes of inheritance.
Arrhythmogenic right ventricular dysplasia 9 (ARVD9). Also called: Arrhythmogenic Right Ventricular Dysplasia/Cardiomyopathy 9; ARRHYTHMOGENIC RIGHT VENTRICULAR DYSPLASIA, FAMILIAL, 9. Identifiers: MedGen C1836906, MONDO:0012180, OMIM 609040.

Submissions (5):

Ambry Genetics
Classification: Uncertain significance for Cardiovascular phenotype. Last evaluated: 2025-04-14. Review status: criteria provided, single submitter. Criteria: Ambry Variant Classification Scheme 2023. Collection method: clinical testing. Allele origin: germline.
Comment: The p.L582F variant (also known as c.1744C>T), located in coding exon 8 of the PKP2 gene, results from a C to T substitution at nucleotide position 1744. The leucine at codon 582 is replaced by phenylalanine, an amino acid with highly similar properties. This amino acid position is conserved. In addition, this alteration is predicted to be deleterious by in silico analysis. Based on the available evidence, the clinical significance of this variant remains unclear.

Color Diagnostics, LLC DBA Color Health
Classification: Uncertain significance for Cardiomyopathy. Last evaluated: 2024-03-06. Review status: criteria provided, single submitter. Criteria: ACMG Guidelines, 2015. Collection method: clinical testing. Allele origin: germline.
Comment: This missense variant replaces leucine with phenylalanine at codon 582 of the PKP2 protein. Computational prediction suggests that this variant may have deleterious impact on protein structure and function (internally defined REVEL score threshold >= 0.7, PMID: 27666373). To our knowledge, functional studies have not been reported for this variant. This variant has not been reported in individuals affected with cardiovascular disorders in the literature. This variant has not been identified in the general population by the Genome Aggregation Database (gnomAD). The available evidence is insufficient to determine the role of this variant in disease conclusively. Therefore, this variant is classified as a Variant of Uncertain Significance.

Labcorp Genetics (formerly Invitae), Labcorp
Classification: Uncertain significance for Arrhythmogenic right ventricular dysplasia 9. Last evaluated: 2023-12-05. Review status: criteria provided, single submitter. Criteria: Invitae Variant Classification Sherloc (09022015). Collection method: clinical testing. Allele origin: germline.
Comment: This sequence change replaces leucine, which is neutral and non-polar, with phenylalanine, which is neutral and non-polar, at codon 582 of the PKP2 protein (p.Leu582Phe). This variant is not present in population databases (gnomAD no frequency). This variant has not been reported in the literature in individuals affected with PKP2-related conditions. ClinVar contains an entry for this variant (Variation ID: 202031). An algorithm developed to predict the effect of missense changes on protein structure and function (PolyPhen-2) suggests that this variant is likely to be disruptive. In summary, the available evidence is currently insufficient to determine the role of this variant in disease. Therefore, it has been classified as a Variant of Uncertain Significance.

All of Us Research Program, National Institutes of Health
Classification: Uncertain significance for Arrhythmogenic right ventricular cardiomyopathy. Last evaluated: 2023-11-20. Review status: criteria provided, single submitter. Criteria: ACMG Guidelines, 2015. Collection method: clinical testing. Allele origin: germline. Inheritance: Autosomal dominant inheritance. Observed: 3 variant alleles, 3 heterozygotes.
Comment: This missense variant replaces leucine with phenylalanine at codon 582 of the PKP2 protein. Computational prediction suggests that this variant may have deleterious impact on protein structure and function (internally defined REVEL score threshold >= 0.7, PMID: 27666373). To our knowledge, functional studies have not been reported for this variant. This variant has not been reported in individuals affected with cardiovascular disorders in the literature. This variant has not been identified in the general population by the Genome Aggregation Database (gnomAD). The available evidence is insufficient to determine the role of this variant in disease conclusively. Therefore, this variant is classified as a Variant of Uncertain Significance.

This study involves interpretation of variants in research participants for the purpose of population health screening. Participant phenotype was not available at the time of variant classification. Additional details can be found in publication PMID: 35346344, PMCID: PMC8962531

GeneDx
Classification: Uncertain significance. Last evaluated: 2014-09-03. Review status: criteria provided, single submitter. Criteria: GeneDx Variant Classification (06012015). Collection method: clinical testing. Allele origin: germline. Affected: yes.
Comment: p.Leu582Phe (CTC>TTC): c.1744 C>T in exon 8 of the PKP2 gene (NM_004572.3). The L582F variant has not been published as a mutation, nor has it been reported as a benign polymorphism to our knowledge. The L582F variant is a conservative amino acid substitution, which is not likely to impact secondary protein structure as these residues share similar properties. However, the L582F variant was not observed in approximately 6,500 individuals of European and African American ancestry in the NHLBI Exome Sequencing Project, indicating it is not a common benign variant in these populations. This substitution occurs at a position that is conserved across species. In silico analysis predicts this variant is probably damaging to the protein structure/function. Missense mutations in nearby residues (V587I, I583M) have been reported in association with ARVC. The I583M variant was harbored by a patient with ARVC and it was absent from 300 control patients; however, no segregation studies of the variant were performed ( Bao et al., 2013). Therefore, based on the currently available information, it is unclear whether this variant is a pathogenic mutation or a rare benign variant. The variant is found in CARDIOMYOPATHY panel(s).